The following is an entry in ClinVar:

NM_178857.6(RP1L1):c.3022C>T (p.Gln1008Ter)

Gene: RP1L1 (RP1 like 1). Cytogenetic location: 8p23.1.
Variant type: single nucleotide variant.
Coding change: c.3022C>T on transcript NM_178857.6 (MANE Select); coding-DNA position 3022, C replaced by T.
Protein change: p.Gln1008Ter; replaces glutamine 1008 with a stop codon.
Molecular consequence: nonsense.
Genome position (GRCh38, 1-based): chr8:10,611,076, G>A on the plus strand (C>T on the coding strand, the complement: RP1L1 is on the minus strand). VCF-style: chr8-10611076-G-A. GRCh37 (hg19) VCF-style: chr8-10468586-G-A.
Other names: short protein forms Q1008*.
Identifiers: ClinVar variation 624306 (VCV000624306.43), dbSNP rs756996764, ClinGen allele CA370289498.

ClinVar aggregate classification (germline): Conflicting classifications of pathogenicity. Review status: criteria provided, conflicting classifications (1 of 4 stars). 4 submissions from 4 submitters: Pathogenic (1); Likely pathogenic (1); Uncertain significance (1). 1 of the submissions does not count toward it. Last evaluated 2025-08-20.

Conditions:
Retinitis pigmentosa 88. Identifiers: MedGen C5394208, MONDO:0032940, OMIM 618826.
Retinal dystrophy. Also called: Inherited retinal dystrophy. Identifiers: Orphanet 71862, MedGen C0854723, MeSH D058499, MONDO:0019118, HP:0000556.

gnomAD v4.1: 1 of 1,612,886 alleles (0.000062%); highest among the groups gnomAD compares: Non-Finnish European, 0.000085%; no homozygotes.

Submissions (4):

3billion
Classification: Likely pathogenic for Retinitis pigmentosa 88. Last evaluated: 2025-08-20. Review status: criteria provided, single submitter. Criteria: ACMG Guidelines, 2015. Collection method: clinical testing. Allele origin: germline. Affected: yes.
Comment: The variant is observed at an extremely low frequency in the gnomAD v4.1.0 dataset (total allele frequency: <0.001%). Predicted Consequence/Location: Stop-gained (nonsense): predicted to result in a loss or disruption of normal protein function through protein truncation. The predicted truncated protein may be shortened by more than 10%. The variant has been reported to be associated with RP1L1-related disorder (ClinVar ID: VCV000624306 /PMID: 30025130). Therefore, this variant is classified as Likely pathogenic according to the recommendation of ACMG/AMP guideline.

Institute of Human Genetics, Univ. Regensburg, Univ. Regensburg
Classification: Pathogenic for Retinal dystrophy. Last evaluated: 2021-01-01. Review status: criteria provided, single submitter. Criteria: ACMG Guidelines, 2015. Collection method: clinical testing. Allele origin: germline. Affected: yes.

CeGaT Center for Human Genetics Tuebingen
Classification: Uncertain significance. Last evaluated: 2018-06-01. Review status: criteria provided, single submitter. Criteria: CeGaT Center For Human Genetics Tuebingen Variant Classification Criteria Version 2. Collection method: clinical testing. Allele origin: germline. Affected: yes. Observed: 1 variant allele.

OMIM
Classification: Pathogenic for RETINITIS PIGMENTOSA 88. Last evaluated: 2020-03-26. Review status: no assertion criteria provided. Collection method: literature only. Allele origin: germline. Not counted in ClinVar's aggregate classification.

Literature cited by the submitters: PubMed 30025130 (cited by 3 submitters); PubMed 3253185 (cited by Institute of Human Genetics, Univ. Regensburg, Univ. Regensburg).